The following is an entry in ClinVar:

NM_001367624.2(ZNF469):c.10516C>T (p.Pro3506Ser)

Gene: ZNF469 (zinc finger protein 469; plus strand). Cytogenetic location: 16q24.2.
Variant type: single nucleotide variant.
Coding change: c.10516C>T on transcript NM_001367624.2 (MANE Select); coding-DNA position 10516, C replaced by T.
Protein change: p.Pro3506Ser; replaces proline 3506 with serine.
Molecular consequence: missense variant.
Genome position (GRCh38, 1-based): chr16:88,437,986, C>T. VCF-style: chr16-88437986-C-T. GRCh37 (hg19) VCF-style: chr16-88504394-C-T.
Other names: NM_001127464.1:c.10432C>T; short protein forms P3506S.
Identifiers: ClinVar variation 5032274 (VCV005032274.1).

ClinVar aggregate classification (germline): Uncertain significance (1 of 4 stars; one submission).

Conditions:
Cardiovascular phenotype. Identifiers: MedGen CN230736.

Submission:

Ambry Genetics
Classification: Uncertain significance for Cardiovascular phenotype. Last evaluated: 2026-09-06. Review status: criteria provided, single submitter. Criteria: Ambry Variant Classification Scheme 2023. Collection method: clinical testing. Allele origin: germline.
Comment: The p.P3478S variant (also known as c.10432C>T), located in coding exon 2 of the ZNF469 gene, results from a C to T substitution at nucleotide position 10432. The proline at codon 3478 is replaced by serine, an amino acid with similar properties. This amino acid position is conserved. In addition, this alteration is predicted to be tolerated by in silico analysis. Based on the available evidence, the clinical significance of this variant remains unclear.